The following is an entry in ClinVar:

NM_000535.7(PMS2):c.1438G>C (p.Gly480Arg)

Gene: PMS2 (PMS1 homolog 2, mismatch repair system component; minus strand). Cytogenetic location: 7p22.1.
Variant type: single nucleotide variant.
Coding change: c.1438G>C on transcript NM_000535.7 (MANE Select); coding-DNA position 1438, G replaced by C.
Protein change: p.Gly480Arg; replaces glycine 480 with arginine.
Molecular consequence: missense variant. On other transcripts: non-coding transcript variant (1).
Genome position (GRCh38, 1-based): chr7:5,987,327, C>G on the plus strand (G>C on the coding strand, the complement: PMS2 is on the minus strand). VCF-style: chr7-5987327-C-G. GRCh37 (hg19) VCF-style: chr7-6026958-C-G.
Other names: c.1033G>C, p.Gly345Arg (NM_001322003.2, NM_001322004.2, NM_001322005.2 and 1 more transcripts); c.1282G>C, p.Gly428Arg (NM_001322006.2); c.1120G>C, p.Gly374Arg (NM_001322007.2, NM_001322008.2); c.877G>C, p.Gly293Arg (NM_001322010.2); c.505G>C, p.Gly169Arg (NM_001322011.2, NM_001322012.2); c.865G>C, p.Gly289Arg (NM_001322013.2); c.1438G>C, p.Gly480Arg (NM_001322014.2); c.1129G>C, p.Gly377Arg (NM_001322015.2); short protein forms G480R, G169R, G428R, G289R, G345R, G377R, G293R, G374R.
Identifiers: ClinVar variation 141000 (VCV000141000.26), dbSNP rs146848345, ClinGen allele CA009685.

ClinVar aggregate classification (germline): Conflicting classifications of pathogenicity. Review status: criteria provided, conflicting classifications (1 of 4 stars). 9 submissions from 9 submitters: Uncertain significance (8); Likely benign (1). Last evaluated 2026-06-09.

Conditions:
PMS2-related disorder. Also called: PMS2-related condition.
Hereditary nonpolyposis colorectal neoplasms. Identifiers: MedGen C0009405, MeSH D003123.
Mismatch repair cancer syndrome 4. Identifiers: MedGen C5436817, MONDO:0030843, OMIM 619101.
Lynch syndrome 4 (LYNCH4). Also called: Colorectal cancer, hereditary nonpolyposis, type 4; Hereditary non-polyposis colorectal cancer, type 4. Identifiers: Orphanet 144, MedGen C1838333, MONDO:0013699, OMIM 614337. Disease mechanism: loss of function.
Hereditary cancer-predisposing syndrome. Also called: Tumor predisposition; Neoplastic Syndromes, Hereditary; Hereditary neoplastic syndrome; Hereditary Cancer Syndrome. Identifiers: Orphanet 140162, MedGen C0027672, MeSH D009386, MONDO:0015356.
Lynch syndrome. Identifiers: Orphanet 144, MedGen C4552100, MONDO:0005835. Disease mechanism: loss of function.

Allele frequency attached by ClinVar (database versions not stated): TOPMed 0.00001.
gnomAD v4.1: 62 of 1,613,956 alleles (0.0038%); highest among the groups gnomAD compares: Non-Finnish European, 0.0051%; no homozygotes.

Submissions (9):

PreventionGenetics, part of Exact Sciences
Classification: Uncertain significance for PMS2-related condition. Last evaluated: 2026-06-09. Review status: criteria provided, single submitter. Criteria: ACMG Guidelines, 2015. Collection method: clinical testing. Allele origin: germline.
Comment: The PMS2 c.1438G>C variant is predicted to result in the amino acid substitution p.Gly480Arg. This variant has been reported in the literature in individuals with unspecified cancer (Supp. File 1, Kiyozumi et al. 2019. PubMed ID: 31386297; Yorczyk et al. 2014. PubMed ID: 25318351). This variant is reported in 0.0018% of alleles in individuals of European (Non-Finnish) descent in gnomAD. This variant has conflicting interpretations in ClinVar ranging from uncertain to likely benign (Variation ID: 141000). At this time, the clinical significance of this variant is uncertain due to the absence of conclusive functional and genetic evidence.

Color Diagnostics, LLC DBA Color Health
Classification: Uncertain significance for Hereditary cancer-predisposing syndrome. Last evaluated: 2025-11-19. Review status: criteria provided, single submitter. Criteria: ACMG Guidelines, 2015. Collection method: clinical testing. Allele origin: germline.
Comment: This missense variant replaces glycine with arginine at codon 480 of the PMS2 protein. Computational prediction suggests that this variant may not impact protein structure and function. To our knowledge, functional studies have not been reported for this variant. This variant has been reported in a cohort of individuals who met criteria for BRCA1/2 or Lynch syndrome gene testing (PMID: 25318351). This variant has been identified in 62/1613956 chromosomes in the general population by the Genome Aggregation Database (gnomAD). The available evidence is insufficient to determine the role of this variant in disease conclusively. Therefore, this variant is classified as a Variant of Uncertain Significance.

Ambry Genetics
Classification: Likely benign for Hereditary cancer-predisposing syndrome. Last evaluated: 2025-08-06. Review status: criteria provided, single submitter. Criteria: Ambry Variant Classification Scheme 2023. Collection method: clinical testing. Allele origin: germline.

Labcorp Genetics (formerly Invitae), Labcorp
Classification: Uncertain significance for Hereditary nonpolyposis colorectal neoplasms. Last evaluated: 2025-04-30. Review status: criteria provided, single submitter. Criteria: Invitae Variant Classification Sherloc (09022015). Collection method: clinical testing. Allele origin: germline.
Comment: This sequence change replaces glycine, which is neutral and non-polar, with arginine, which is basic and polar, at codon 480 of the PMS2 protein (p.Gly480Arg). This variant is present in population databases (rs146848345, gnomAD 0.002%). This missense change has been observed in individual(s) with breast cancer and/or unspecified cancer (PMID: 31386297, 35449176). ClinVar contains an entry for this variant (Variation ID: 141000). Invitae Evidence Modeling incorporating data from in vitro experimental studies (internal data) indicates that this missense variant is not expected to disrupt PMS2 function with a negative predictive value of 95%. In summary, the available evidence is currently insufficient to determine the role of this variant in disease. Therefore, it has been classified as a Variant of Uncertain Significance.

All of Us Research Program, National Institutes of Health
Classification: Uncertain significance for Lynch syndrome. Last evaluated: 2024-07-20. Review status: criteria provided, single submitter. Criteria: ACMG Guidelines, 2015. Collection method: clinical testing. Allele origin: germline. Inheritance: Autosomal dominant inheritance. Observed: 3 variant alleles, 3 heterozygotes.
Comment: This missense variant replaces glycine with arginine at codon 480 of the PMS2 protein. Computational prediction suggests that this variant may not impact protein structure and function (internally defined REVEL score threshold <= 0.5, PMID: 27666373). To our knowledge, functional studies have not been reported for this variant. This variant has been reported in a cohort of individuals who met criteria for BRCA1/2 or Lynch syndrome gene testing (PMID: 25318351). This variant has been identified in 2/251486 chromosomes in the general population by the Genome Aggregation Database (gnomAD). The available evidence is insufficient to determine the role of this variant in disease conclusively. Therefore, this variant is classified as a Variant of Uncertain Significance.

This study involves interpretation of variants in research participants for the purpose of population health screening. Participant phenotype was not available at the time of variant classification. Additional details can be found in publication PMID: 35346344, PMCID: PMC8962531

GeneDx
Classification: Uncertain significance. Last evaluated: 2024-07-09. Review status: criteria provided, single submitter. Criteria: GeneDx Variant Classification Process June 2021. Collection method: clinical testing. Allele origin: germline. Affected: yes.
Comment: Not observed at significant frequency in large population cohorts (gnomAD); In silico analysis indicates that this missense variant does not alter protein structure/function; This variant is associated with the following publications: (PMID: 25318351, 31386297, 28873162, 35449176)

Department of Pathology and Laboratory Medicine, Sinai Health System
Classification: Uncertain significance for Lynch syndrome. Last evaluated: 2022-07-28. Review status: criteria provided, single submitter. Criteria: ACMG Guidelines, 2015. Collection method: clinical testing. Allele origin: germline. Affected: yes.

Fulgent Genetics
Classification: Uncertain significance for Lynch syndrome 4; Mismatch repair cancer syndrome 4. Last evaluated: 2022-03-18. Review status: criteria provided, single submitter. Criteria: ACMG Guidelines, 2015. Collection method: clinical testing. Allele origin: unknown.

Women's Health and Genetics/Laboratory Corporation of America, LabCorp
Classification: Uncertain significance. Last evaluated: 2017-02-03. Review status: criteria provided, single submitter. Criteria: LabCorp Variant Classification Summary - May 2015. Collection method: clinical testing. Allele origin: germline.
Comment: Variant summary: The PMS2 c.1438G>C (p.Gly480Arg) variant involves the alteration of a non-conserved nucleotide. 2/4 in silico tools predict a benign outcome for this variant (SNPs&GO not captured due to low reliability index). This variant was found in 1/121410 control chromosomes at a frequency of 0.0000082, which does not exceed the estimated maximal expected allele frequency of a pathogenic PMS2 variant (0.0001136). The variant was reported in the literature in a patient being tested for HBOC or Lynch Syndrome, without strong evidence for causality (Yorczyk_2015). In addition, multiple clinical diagnostic laboratories/reputable databases classified this variant as benign. Taken together, this variant is classified as VUS.

Literature cited by the submitters: PubMed 25318351 (cited by 5 submitters); PubMed 31386297 (cited by Labcorp Genetics (formerly Invitae), Labcorp and Department of Pathology and Laboratory Medicine, Sinai Health System); PubMed 35449176 (cited by Labcorp Genetics (formerly Invitae), Labcorp).